The following is an entry in ClinVar:

NM_001848.3(COL6A1):c.2134G>C (p.Asp712His)

Gene: COL6A1 (collagen type VI alpha 1 chain; plus strand). Cytogenetic location: 21q22.3.
Variant type: single nucleotide variant.
Coding change: c.2134G>C on transcript NM_001848.3 (MANE Select); coding-DNA position 2134, G replaced by C.
Protein change: p.Asp712His; replaces aspartic acid 712 with histidine.
Molecular consequence: missense variant.
Genome position (GRCh38, 1-based): chr21:46,002,285, G>C. VCF-style: chr21-46002285-G-C. GRCh37 (hg19) VCF-style: chr21-47422199-G-C.
Other names: short protein forms D712H.
Identifiers: ClinVar variation 2011095 (VCV002011095.7), dbSNP rs1334833248, ClinGen allele CA410535420.
Genomic context (GRCh38, chr21:46,002,285, plus strand): 5'-AAGAGCCTGCAGTGGATGGCGGGCGGCACCTTCACGGGGGAGGCCCTGCAGTACACGCGG[G>C]ACCAGCTGCTGCCGCCCAGCCCGAACAACCGCATCGCCCTGGTCATCACTGACGGGCGCT-3'
Protein context (NP_001839.2, residues 702-722): FTGEALQYTR[Asp712His]QLLPPSPNNR

ClinVar aggregate classification (germline): Uncertain significance. Review status: criteria provided, multiple submitters, no conflicts (2 of 4 stars). 2 submissions from 2 submitters: Uncertain significance (2). Last evaluated 2022-06-26.

Conditions:
Bethlem myopathy 1A. Also called: MYOPATHY, BENIGN CONGENITAL, WITH CONTRACTURES; Bethlem myopathy 1; Bethlem Muscular Dystrophy. Identifiers: Orphanet 610, MedGen CN029274, MONDO:0024530, OMIM 158810.

Submissions (2):

Labcorp Genetics (formerly Invitae), Labcorp
Classification: Uncertain significance for Bethlem myopathy 1A. Last evaluated: 2022-06-26. Review status: criteria provided, single submitter. Criteria: Invitae Variant Classification Sherloc (09022015). Collection method: clinical testing. Allele origin: germline.
Comment: Advanced modeling of protein sequence and biophysical properties (such as structural, functional, and spatial information, amino acid conservation, physicochemical variation, residue mobility, and thermodynamic stability) performed at Invitae indicates that this missense variant is not expected to disrupt COL6A1 protein function. In summary, the available evidence is currently insufficient to determine the role of this variant in disease. Therefore, it has been classified as a Variant of Uncertain Significance. This variant has not been reported in the literature in individuals affected with COL6A1-related conditions. This sequence change replaces aspartic acid, which is acidic and polar, with histidine, which is basic and polar, at codon 712 of the COL6A1 protein (p.Asp712His). This variant is not present in population databases (gnomAD no frequency).

Revvity Omics, Revvity
Classification: Uncertain significance. Last evaluated: 2022-03-14. Review status: criteria provided, single submitter. Criteria: ACMG Guidelines, 2015. Collection method: clinical testing. Allele origin: germline.